The following is an entry in ClinVar:

NM_020919.4(ALS2):c.2909G>T (p.Gly970Val)

Gene: ALS2 (alsin Rho guanine nucleotide exchange factor ALS2; minus strand). Cytogenetic location: 2q33.1.
Variant type: single nucleotide variant.
Coding change: c.2909G>T on transcript NM_020919.4 (MANE Select); coding-DNA position 2909, G replaced by T.
Protein change: p.Gly970Val; replaces glycine 970 with valine.
Molecular consequence: missense variant.
Genome position (GRCh38, 1-based): chr2:201,727,708, C>A on the plus strand (G>T on the coding strand, the complement: ALS2 is on the minus strand). VCF-style: chr2-201727708-C-A. GRCh37 (hg19) VCF-style: chr2-202592431-C-A.
Other names: short protein forms G970V.
Identifiers: ClinVar variation 333593 (VCV000333593.24), dbSNP rs375742430, ClinGen allele CA2058054.
Genomic context (GRCh38, chr2:201,727,708, plus strand): 5'-AAGCAACCTGGGTAACAGACTTGGACGGGGTGGGGTGGGGAGGGGGGACGCACTTACACA[C>A]CACCAGCTTCTTCAGACAGTGGCTCTGCCCACAGCGTGGCCAGAGGGAAAACATGGTGCG-3'
Protein context (NP_065970.2, residues 960-980): WAEPLSEEAG[Gly970Val]VNGLKITTPE

ClinVar aggregate classification (germline): Conflicting classifications of pathogenicity. Review status: criteria provided, conflicting classifications (1 of 4 stars). 6 submissions from 5 submitters: Uncertain significance (4); Likely benign (2). Last evaluated 2025-11-17.

Conditions:
Hereditary spastic paraplegia. Also called: Familial spastic paraparesis. Identifiers: Orphanet 685, MedGen C0037773, MONDO:0019064. Disease mechanism: loss of function.
ALS2-related disorder. Also called: ALS2-related disorders; ALS2-Related Spectrum Disorders; ALS2-related condition. Identifiers: MedGen CN169291.
Infantile-onset ascending hereditary spastic paralysis (IAHSP). Also called: Infantile-Onset Ascending Hereditary Spastic Paralysis (IAHSP); Autosomal Recessive Juvenile Amyotrophic Lateral Sclerosis. Identifiers: Orphanet 293168, MedGen C2931441, MONDO:0011797, OMIM 607225. Disease mechanism: loss of function.
ALS2-related motor neuron disease. Identifiers: MedGen CN323278, MONDO:0100227.
Amyotrophic lateral sclerosis type 2, juvenile. Also called: ALS, JUVENILE; Amyotrophic lateral sclerosis type 2. Identifiers: Orphanet 300605, MedGen C1859807, MONDO:0008780, OMIM 205100.

Allele frequency attached by ClinVar (database versions not stated): gnomAD 0.00001 and 0.00017; TOPMed 0.00003; gnomAD exomes 0.00045; ExAC 0.00095; 1000 Genomes Project 0.00100; 1000 Genomes Project 30x 0.00141.
gnomAD v4.1: 281 of 1,551,638 alleles (0.018%); highest among the groups gnomAD compares: South Asian, 0.31%; 4 homozygotes.

Submissions (6):

Labcorp Genetics (formerly Invitae), Labcorp
Classification: Likely benign for Infantile-onset ascending hereditary spastic paralysis. Last evaluated: 2025-11-17. Review status: criteria provided, single submitter. Criteria: Invitae Variant Classification Sherloc (09022015). Collection method: clinical testing. Allele origin: germline.

CeGaT Center for Human Genetics Tuebingen
Classification: Likely benign. Last evaluated: 2025-11-01. Review status: criteria provided, single submitter. Criteria: CeGaT Center For Human Genetics Tuebingen Variant Classification Criteria Version 2. Collection method: clinical testing. Allele origin: germline. Affected: yes. Observed: 1 variant allele.
Comment: ALS2: BP4, BS2

Department of Pathology and Laboratory Medicine, Sinai Health System
Classification: Uncertain significance for ALS2-related motor neuron disease. Last evaluated: 2021-07-30. Review status: criteria provided, single submitter. Criteria: ACMG Guidelines, 2015. Collection method: research. Allele origin: germline.

Genome Diagnostics Laboratory, The Hospital for Sick Children
Classification: Uncertain significance for Hereditary spastic paraplegia. Last evaluated: 2021-05-14. Review status: criteria provided, single submitter. Criteria: ACMG Guidelines, 2015. Collection method: clinical testing. Allele origin: germline. Affected: yes.

Illumina Laboratory Services, Illumina
Classification: Uncertain significance for ALS2-Related Disorders. Last evaluated: 2018-01-13. Review status: criteria provided, single submitter. Criteria: ICSL Variant Classification Criteria 13 December 2019. Collection method: clinical testing. Allele origin: germline.

Illumina Laboratory Services, Illumina
Classification: Uncertain significance for Amyotrophic lateral sclerosis type 2. Last evaluated: 2018-01-13. Review status: criteria provided, single submitter. Criteria: ICSL Variant Classification Criteria 13 December 2019. Collection method: clinical testing. Allele origin: germline.